The following is an entry in ClinVar:

ClinVar aggregate classification (germline): Uncertain significance (1 of 4 stars; one submission).

Conditions:
Wilms tumor 1 (WT1). Also called: Wilms tumor, somatic. Identifiers: Orphanet 654, MedGen CN033288, MONDO:0008679, OMIM 194070.

Submission:

Labcorp Genetics (formerly Invitae), Labcorp
Classification: Uncertain significance for Wilms tumor 1. Last evaluated: 2022-12-22. Review status: criteria provided, single submitter. Criteria: Invitae Variant Classification Sherloc (09022015). Collection method: clinical testing. Allele origin: germline.
Comment: This sequence change replaces threonine, which is neutral and polar, with isoleucine, which is neutral and non-polar, at codon 4 of the GPC3 protein (p.Thr4Ile). In summary, the available evidence is currently insufficient to determine the role of this variant in disease. Therefore, it has been classified as a Variant of Uncertain Significance. Algorithms developed to predict the effect of missense changes on protein structure and function output the following: SIFT: "Tolerated"; PolyPhen-2: "Benign"; Align-GVGD: "Class C0". The isoleucine amino acid residue is found in multiple mammalian species, which suggests that this missense change does not adversely affect protein function. This variant has not been reported in the literature in individuals affected with GPC3-related conditions. This variant is not present in population databases (gnomAD no frequency).

NM_004484.4(GPC3):c.11C>T (p.Thr4Ile)

Gene: GPC3 (glypican 3; minus strand). Cytogenetic location: Xq26.2.
Variant type: single nucleotide variant.
Coding change: c.11C>T on transcript NM_004484.4 (MANE Select); coding-DNA position 11, C replaced by T.
Protein change: p.Thr4Ile; replaces threonine 4 with isoleucine.
Molecular consequence: missense variant.
Genome position (GRCh38, 1-based): chrX:133,985,439, G>A on the plus strand (C>T on the coding strand, the complement: GPC3 is on the minus strand). VCF-style: chrX-133985439-G-A. GRCh37 (hg19) VCF-style: chrX-133119466-G-A.
Other names: c.11C>T, p.Thr4Ile (NM_001164617.2, NM_001164618.2, NM_001164619.2); short protein forms T4I.
Identifiers: ClinVar variation 2823345 (VCV002823345.3), dbSNP rs2521972488, ClinGen allele CA414707223.